The following is an entry in ClinVar:

NM_001754.5(RUNX1):c.374C>A (p.Pro125Gln)

Genes: RUNX1 (RUNX family transcription factor 1; minus strand), RUNX1-AS1 (RUNX1 antisense RNA 1; plus strand). Cytogenetic location: 21q22.12.
Variant type: single nucleotide variant.
Coding change: c.374C>A on transcript NM_001754.5 (MANE Select); coding-DNA position 374, C replaced by A.
Protein change: p.Pro125Gln; replaces proline 125 with glutamine.
Molecular consequence: missense variant.
Genome position (GRCh38, 1-based): chr21:34,880,691, G>T on the plus strand (C>A on the coding strand, the complement: RUNX1 is on the minus strand). VCF-style: chr21-34880691-G-T. GRCh37 (hg19) VCF-style: chr21-36252988-G-T.
Other names: c.293C>A, p.Pro98Gln (NM_001001890.3, NM_001122607.2); short protein forms P98Q, P125Q.
Identifiers: ClinVar variation 5028564 (VCV005028564.1).

ClinVar aggregate classification (germline): Uncertain significance (1 of 4 stars; one submission).

Conditions:
Inborn genetic diseases. Identifiers: MedGen C0950123, MeSH D030342.

Submission:

Ambry Genetics
Classification: Uncertain significance for Inborn genetic diseases. Last evaluated: 2026-07-02. Review status: criteria provided, single submitter. Criteria: Ambry Variant Classification Scheme 2023. Collection method: clinical testing. Allele origin: germline.
Comment: The p.P125Q variant (also known as c.374C>A), located in coding exon 4 of the RUNX1 gene, results from a C to A substitution at nucleotide position 374. The proline at codon 125 is replaced by glutamine, an amino acid with similar properties. This amino acid position is conserved. In addition, this alteration is predicted to be deleterious by in silico analysis. Based on the available evidence, the clinical significance of this variant remains unclear.